The following is an entry in ClinVar:

ClinVar aggregate classification (germline): Uncertain significance (1 of 4 stars; one submission).

Submission:

Labcorp Genetics (formerly Invitae), Labcorp
Classification: Uncertain significance. Last evaluated: 2023-08-05. Review status: criteria provided, single submitter. Criteria: Invitae Variant Classification Sherloc (09022015). Collection method: clinical testing. Allele origin: germline.
Comment: In summary, the available evidence is currently insufficient to determine the role of this variant in disease. Therefore, it has been classified as a Variant of Uncertain Significance. An algorithm developed to predict the effect of missense changes on protein structure and function (PolyPhen-2) suggests that this variant is likely to be disruptive. This variant has not been reported in the literature in individuals affected with MSH3-related conditions. This variant is not present in population databases (gnomAD no frequency). This sequence change replaces valine, which is neutral and non-polar, with phenylalanine, which is neutral and non-polar, at codon 642 of the MSH3 protein (p.Val642Phe).

NM_002439.5(MSH3):c.1924G>T (p.Val642Phe)

Gene: MSH3 (mutS homolog 3; plus strand). Cytogenetic location: 5q14.1.
Variant type: single nucleotide variant.
Coding change: c.1924G>T on transcript NM_002439.5 (MANE Select); coding-DNA position 1924, G replaced by T.
Protein change: p.Val642Phe; replaces valine 642 with phenylalanine.
Molecular consequence: missense variant.
Genome position (GRCh38, 1-based): chr5:80,767,960, G>T. VCF-style: chr5-80767960-G-T. GRCh37 (hg19) VCF-style: chr5-80063779-G-T.
Other names: short protein forms V642F.
Identifiers: ClinVar variation 2750391 (VCV002750391.3), dbSNP rs1744150383, ClinGen allele CA360277488.
Genomic context (GRCh38, chr5:80,767,960, plus strand): 5'-ATGCTATTTCATAAAAAATATTTCTATTTTCAGTGTTCTACCCAAGAGTTCTTCTTGATT[G>T]TCAAAACTTTATATCACCTAAAGTCAGAATTTCAAGCAATAATACCTGCTGTTAATTCCC-3'
Protein context (NP_002430.3, residues 632-652): KCSTQEFFLI[Val642Phe]KTLYHLKSEF